The following is an entry in ClinVar:

NM_001365536.1(SCN9A):c.4556T>C (p.Ile1519Thr)

Genes: SCN9A (sodium voltage-gated channel alpha subunit 9; minus strand), SCN1A-AS1 (SCN1A and SCN9A antisense RNA 1; plus strand). Cytogenetic location: 2q24.3.
Variant type: single nucleotide variant.
Coding change: c.4556T>C on transcript NM_001365536.1 (MANE Select); coding-DNA position 4556, T replaced by C.
Protein change: p.Ile1519Thr; replaces isoleucine 1519 with threonine.
Molecular consequence: missense variant.
Genome position (GRCh38, 1-based): chr2:166,204,173, A>G on the plus strand (T>C on the coding strand, the complement: SCN9A is on the minus strand). VCF-style: chr2-166204173-A-G. GRCh37 (hg19) VCF-style: chr2-167060683-A-G.
Other names: c.4523T>C, p.Ile1508Thr (NM_002977.4); short protein forms I1508T, I1519T.
Identifiers: ClinVar variation 2579921 (VCV002579921.2), dbSNP rs200486813, ClinGen allele CA59789080.
Genomic context (GRCh38, chr2:166,204,173, plus strand): 5'-TGACCCTCCTTTTCTACCATCATGGTTACCATGTTGAGACAGATAAGAACCATGATACTA[A>G]TATCAAAGGCTTGATTTGTCACTAGGTCAAATATACATCCTTGGATTTTGTTCTGCAAAG-3'
Protein context (NP_001352465.1, residues 1509-1529): FDLVTNQAFD[Ile1519Thr]SIMVLICLNM

ClinVar aggregate classification (germline): Uncertain significance (1 of 4 stars; one submission).

Allele frequency attached by ClinVar (database versions not stated): TOPMed below 0.00001; gnomAD 0.00001.
gnomAD v4.1: 1 of 1,612,196 alleles (0.000062%); highest among the groups gnomAD compares: Non-Finnish European, 0.000085%; no homozygotes.

Submission:

GeneDx
Classification: Uncertain significance. Last evaluated: 2024-05-22. Review status: criteria provided, single submitter. Criteria: GeneDx Variant Classification Process June 2021. Collection method: clinical testing. Allele origin: germline.
Comment: Not observed at significant frequency in large population cohorts (gnomAD); In silico analysis supports that this missense variant has a deleterious effect on protein structure/function; Has not been previously published as pathogenic or benign to our knowledge